The following is an entry in ClinVar:

ClinVar aggregate classification (germline): Benign/Likely benign. Review status: criteria provided, multiple submitters, no conflicts (2 of 4 stars). 4 submissions from 4 submitters: Benign (1); Likely benign (2). 1 of the submissions does not count toward it. Last evaluated 2024-04-17.

Conditions:
TCF4-related disorder. Also called: TCF4-related condition.
Pitt-Hopkins syndrome (PTHS). Also called: ENCEPHALOPATHY, SEVERE EPILEPTIC, WITH AUTONOMIC DYSFUNCTION; MENTAL RETARDATION, SYNDROMAL, WITH INTERMITTENT HYPERVENTILATION. Identifiers: Orphanet 2896, MedGen C1970431, MONDO:0012589, OMIM 610954.

Allele frequency attached by ClinVar (database versions not stated): TOPMed 0.00001; ExAC 0.00002; gnomAD exomes 0.00002.
gnomAD v4.1: 15 of 1,613,092 alleles (0.00093%); highest among the groups gnomAD compares: East Asian, 0.013%; no homozygotes.

Submissions (4):

Labcorp Genetics (formerly Invitae), Labcorp
Classification: Likely benign for Pitt-Hopkins syndrome. Last evaluated: 2024-04-17. Review status: criteria provided, single submitter. Criteria: Invitae Variant Classification Sherloc (09022015). Collection method: clinical testing. Allele origin: germline.

CeGaT Center for Human Genetics Tuebingen
Classification: Likely benign. Last evaluated: 2022-05-01. Review status: criteria provided, single submitter. Criteria: CeGaT Center For Human Genetics Tuebingen Variant Classification Criteria Version 2. Collection method: clinical testing. Allele origin: germline. Affected: yes. Observed: 1 variant allele.
Comment: TCF4: BP4, BP7

GeneDx
Classification: Benign. Last evaluated: 2015-04-15. Review status: criteria provided, single submitter. Criteria: GeneDx Variant Classification (06012015). Collection method: clinical testing. Allele origin: germline. Affected: yes.
Comment: This variant is considered likely benign or benign based on one or more of the following criteria: it is a conservative change, it occurs at a poorly conserved position in the protein, it is predicted to be benign by multiple in silico algorithms, and/or has population frequency not consistent with disease.

PreventionGenetics, part of Exact Sciences
Classification: Likely benign for TCF4-related condition. Last evaluated: 2023-12-19. Review status: no assertion criteria provided. Collection method: clinical testing. Allele origin: germline. Not counted in ClinVar's aggregate classification.
Comment: This variant is classified as likely benign based on ACMG/AMP sequence variant interpretation guidelines (Richards et al. 2015 PMID: 25741868, with internal and published modifications).

NM_001083962.2(TCF4):c.891G>A (p.Thr297=)

Genes: TCF4 (transcription factor 4; minus strand), LOC126862757 (CDK7 strongly-dependent group 2 enhancer GRCh37_chr18:52936433-52937632; plus strand). Cytogenetic location: 18q21.2.
Variant type: single nucleotide variant.
Coding change: c.891G>A on transcript NM_001083962.2 (MANE Select); coding-DNA position 891, G replaced by A.
Protein change: p.Thr297=; no amino-acid change (threonine 297 retained).
Molecular consequence: synonymous variant.
Genome position (GRCh38, 1-based): chr18:55,269,862, C>T on the plus strand (G>A on the coding strand, the complement: TCF4 is on the minus strand). VCF-style: chr18-55269862-C-T. GRCh37 (hg19) VCF-style: chr18-52937093-C-T.
Other names: c.1197G>A, p.Thr399= (NM_001243226.3); c.819G>A, p.Thr273= (NM_001243227.2, NM_001306207.1, NM_001348217.1 and 9 more transcripts); c.909G>A, p.Thr303= (NM_001243228.2); c.885G>A, p.Thr295= (NM_001243230.2); c.765G>A, p.Thr255= (NM_001243231.2, NM_001348211.2); c.678G>A, p.Thr226= (NM_001243232.1, NM_001306208.1); c.501G>A, p.Thr167= (NM_001243233.2, NM_001330605.3, NM_001348212.2 and 1 more transcripts); c.411G>A, p.Thr137= (NM_001243234.2, NM_001243235.2, NM_001243236.2 and 2 more transcripts); and 4 more.
Identifiers: ClinVar variation 378715 (VCV000378715.35), dbSNP rs750408686, ClinGen allele CA8970373.
Genomic context (GRCh38, chr18:55,269,862, plus strand): 5'-GTATCAGAATTGGCATTTCTGTGACTCACCCATTATACTGTCTGTCCCGTTGGCAGGAGG[C>T]GTACAGGAAGAGGTGCTGTAATGGTTTGTACCACTACGATGGAAAGTGGACATCGGAGGA-3'
Protein context (NP_001077431.1, residues 287-307): GTNHYSTSSC[Thr297=]PPANGTDSIM